The following is an entry in ClinVar:

NM_000038.6(APC):c.8255A>G (p.Asn2752Ser)

Gene: APC (APC regulator of Wnt signaling pathway; plus strand). Cytogenetic location: 5q22.2.
Variant type: single nucleotide variant.
Coding change: c.8255A>G on transcript NM_000038.6 (MANE Select); coding-DNA position 8255, A replaced by G.
Protein change: p.Asn2752Ser; replaces asparagine 2752 with serine.
Molecular consequence: missense variant.
Genome position (GRCh38, 1-based): chr5:112,843,849, A>G. VCF-style: chr5-112843849-A-G. GRCh37 (hg19) VCF-style: chr5-112179546-A-G.
Other names: c.8255A>G, p.Asn2752Ser (NM_001127510.3, NM_001354895.2); c.8201A>G, p.Asn2734Ser (NM_001127511.3); c.8309A>G, p.Asn2770Ser (NM_001354896.2); c.8285A>G, p.Asn2762Ser (NM_001354897.2); c.8180A>G, p.Asn2727Ser (NM_001354898.2); c.8171A>G, p.Asn2724Ser (NM_001354899.2); c.8132A>G, p.Asn2711Ser (NM_001354900.2); c.8078A>G, p.Asn2693Ser (NM_001354901.2); and 5 more; short protein forms N2734S, N2752S, N2592S, N2661S, N2711S, N2724S, N2727S, N2762S.
Identifiers: ClinVar variation 490374 (VCV000490374.13), dbSNP rs878853474, ClinGen allele CA16039245.

ClinVar aggregate classification (germline): Uncertain significance. Review status: criteria provided, multiple submitters, no conflicts (2 of 4 stars). 3 submissions from 3 submitters: Uncertain significance (3). Last evaluated 2025-04-16.

Conditions:
Familial adenomatous polyposis 1 (FAP1). Also called: POLYPOSIS, ADENOMATOUS INTESTINAL; FAMILIAL ADENOMATOUS POLYPOSIS 1, ATTENUATED. Identifiers: MedGen C2713442, MONDO:0021056, OMIM 175100. Disease mechanism: loss of function.
Hereditary cancer-predisposing syndrome. Also called: Hereditary Cancer Syndrome; Neoplastic Syndromes, Hereditary; Tumor predisposition; Hereditary neoplastic syndrome. Identifiers: Orphanet 140162, MedGen C0027672, MeSH D009386, MONDO:0015356.

Submissions (3):

Ambry Genetics
Classification: Uncertain significance for Hereditary cancer-predisposing syndrome. Last evaluated: 2025-04-16. Review status: criteria provided, single submitter. Criteria: Ambry Variant Classification Scheme 2023. Collection method: clinical testing. Allele origin: germline.
Comment: The p.N2752S variant (also known as c.8255A>G), located in coding exon 15 of the APC gene, results from an A to G substitution at nucleotide position 8255. The asparagine at codon 2752 is replaced by serine, an amino acid with highly similar properties. This amino acid position is conserved. In addition, in silico predictors for this gene do not accurately predict pathogenicity. Based on the available evidence, the clinical significance of this variant remains unclear.

Labcorp Genetics (formerly Invitae), Labcorp
Classification: Uncertain significance for Familial adenomatous polyposis 1. Last evaluated: 2024-07-21. Review status: criteria provided, single submitter. Criteria: Invitae Variant Classification Sherloc (09022015). Collection method: clinical testing. Allele origin: germline.
Comment: This sequence change replaces asparagine, which is neutral and polar, with serine, which is neutral and polar, at codon 2752 of the APC protein (p.Asn2752Ser). This variant is not present in population databases (gnomAD no frequency). This variant has not been reported in the literature in individuals affected with APC-related conditions. ClinVar contains an entry for this variant (Variation ID: 490374). Advanced modeling of protein sequence and biophysical properties (such as structural, functional, and spatial information, amino acid conservation, physicochemical variation, residue mobility, and thermodynamic stability) performed at Invitae indicates that this missense variant is not expected to disrupt APC protein function with a negative predictive value of 95%. In summary, the available evidence is currently insufficient to determine the role of this variant in disease. Therefore, it has been classified as a Variant of Uncertain Significance.

Color Diagnostics, LLC DBA Color Health
Classification: Uncertain significance for Hereditary cancer-predisposing syndrome. Last evaluated: 2023-12-05. Review status: criteria provided, single submitter. Criteria: ACMG Guidelines, 2015. Collection method: clinical testing. Allele origin: germline.
Comment: This missense variant replaces asparagine with serine at codon 2752 of the APC protein. Computational prediction suggests that this variant may not impact protein structure and function (internally defined REVEL score threshold <= 0.5, PMID: 27666373). To our knowledge, functional studies have not been reported for this variant. This variant has not been reported in individuals affected with APC-related disorders in the literature. This variant has not been identified in the general population by the Genome Aggregation Database (gnomAD). The available evidence is insufficient to determine the role of this variant in disease conclusively. Therefore, this variant is classified as a Variant of Uncertain Significance.